The following is an entry in ClinVar:

ClinVar aggregate classification (germline): Likely pathogenic (1 of 4 stars; one submission).

Conditions:
Tumor predisposition syndrome 3 (TPDS3). Also called: Melanoma, cutaneous malignant, susceptibility to, 10; Glioma susceptibility 9; LONG TELOMERE SYNDROME, POT1-RELATED; POT1 Tumor Predisposition. Identifiers: Orphanet 618, MedGen C4014476, MONDO:0014368, OMIM 615848.

Submission:

Labcorp Genetics (formerly Invitae), Labcorp
Classification: Likely pathogenic for Tumor predisposition syndrome 3. Last evaluated: 2022-07-11. Review status: criteria provided, single submitter. Criteria: Invitae Variant Classification Sherloc (09022015). Collection method: clinical testing. Allele origin: germline.
Comment: Algorithms developed to predict the effect of sequence changes on RNA splicing suggest that this variant may disrupt the consensus splice site. This variant has not been reported in the literature in individuals affected with POT1-related conditions. This variant is not present in population databases (gnomAD no frequency). In summary, the currently available evidence indicates that the variant is pathogenic, but additional data are needed to prove that conclusively. Therefore, this variant has been classified as Likely Pathogenic. This sequence change affects a donor splice site in intron 16 of the POT1 gene. It is expected to disrupt RNA splicing. Variants that disrupt the donor or acceptor splice site typically lead to a loss of protein function (PMID: 16199547), and loss-of-function variants in POT1 are known to be pathogenic (PMID: 32155570).

Literature cited by the submitters: PubMed 16199547; PubMed 32155570.

NM_015450.3(POT1):c.1594+1G>C

Gene: POT1 (protection of telomeres 1; minus strand). Cytogenetic location: 7q31.33.
Variant type: single nucleotide variant.
Coding change: c.1594+1G>C on transcript NM_015450.3 (MANE Select); the canonical splice donor site of the intron after coding-DNA position 1594, G replaced by C.
Molecular consequence: splice donor variant.
Genome position (GRCh38, 1-based): chr7:124,829,253, C>G on the plus strand (G>C on the coding strand, the complement: POT1 is on the minus strand). VCF-style: chr7-124829253-C-G. GRCh37 (hg19) VCF-style: chr7-124469307-C-G.
Other names: c.1201+1G>C (NM_001042594.2).
Identifiers: ClinVar variation 2016235 (VCV002016235.4), dbSNP rs1794702760, ClinGen allele CA369064252.
Genomic context (GRCh38, chr7:124,829,253, plus strand): 5'-GTAGGTGAAATAACCTTGTAAACAAACAGTTAAAATTGCAGGGCATGGAAATTTAGCTAA[C>G]CTTCTGCCACAGAAGAAGGAATCCACGATGTTTTATCAACCAGGGAATTTAGATTTTGTA-3'